The following is an entry in ClinVar:

NM_020719.3(PRR12):c.4488A>T (p.Pro1496=)

Gene: PRR12 (proline rich 12; plus strand). Cytogenetic location: 19q13.33.
Variant type: single nucleotide variant.
Coding change: c.4488A>T on transcript NM_020719.3 (MANE Select); coding-DNA position 4488, A replaced by T.
Protein change: p.Pro1496=; no amino-acid change (proline 1496 retained).
Molecular consequence: synonymous variant.
Genome position (GRCh38, 1-based): chr19:49,601,633, A>T. VCF-style: chr19-49601633-A-T. GRCh37 (hg19) VCF-style: chr19-50104890-A-T.
Other names: c.4488A>T (NM_020719.2).
Identifiers: ClinVar variation 2650267 (VCV002650267.25), dbSNP rs369659675, ClinGen allele CA9578496.

ClinVar aggregate classification (germline): Likely benign. Review status: criteria provided, single submitter (1 of 4 stars). 2 submissions from 2 submitters: Likely benign (1). 1 of the submissions does not count toward it. Last evaluated 2026-09-01.

Conditions:
PRR12-related disorder. Also called: PRR12-related condition.

Allele frequency attached by ClinVar (database versions not stated): ExAC 0.00361; ESP Exome Variant Server 0.00418; TOPMed 0.00450.
gnomAD v4.1: 10,477 of 1,527,896 alleles (0.69%); highest among the groups gnomAD compares: Non-Finnish European, 0.8%; 60 homozygotes.

Submissions (2):

CeGaT Center for Human Genetics Tuebingen
Classification: Likely benign. Last evaluated: 2026-09-01. Review status: criteria provided, single submitter. Criteria: CeGaT Center For Human Genetics Tuebingen Variant Classification Criteria Version 2. Collection method: clinical testing. Allele origin: germline. Affected: yes. Observed: 10 variant alleles.
Comment: PRR12: BP4, BP7, BS2

PreventionGenetics, part of Exact Sciences
Classification: Benign for PRR12-related condition. Last evaluated: 2021-06-17. Review status: no assertion criteria provided. Collection method: clinical testing. Allele origin: germline. Not counted in ClinVar's aggregate classification.
Comment: This variant is classified as benign based on ACMG/AMP sequence variant interpretation guidelines (Richards et al. 2015 PMID: 25741868, with internal and published modifications).